The following is an entry in ClinVar:

NM_001278116.2(L1CAM):c.2207A>G (p.Lys736Arg)

Gene: L1CAM (L1 cell adhesion molecule; minus strand). Cytogenetic location: Xq28.
Variant type: single nucleotide variant.
Coding change: c.2207A>G on transcript NM_001278116.2 (MANE Select); coding-DNA position 2207, A replaced by G.
Protein change: p.Lys736Arg; replaces lysine 736 with arginine.
Molecular consequence: missense variant.
Genome position (GRCh38, 1-based): chrX:153,867,055, T>C on the plus strand (A>G on the coding strand, the complement: L1CAM is on the minus strand). VCF-style: chrX-153867055-T-C. GRCh37 (hg19) VCF-style: chrX-153132510-T-C.
Other names: c.2207A>G, p.Lys736Arg (NM_000425.5, NM_024003.3); c.2192A>G, p.Lys731Arg (NM_001143963.2); short protein forms K731R, K736R.
Identifiers: ClinVar variation 4082646 (VCV004082646.1).

ClinVar aggregate classification (germline): Uncertain significance (1 of 4 stars; one submission).

Submission:

GeneDx
Classification: Uncertain significance. Last evaluated: 2025-02-23. Review status: criteria provided, single submitter. Criteria: GeneDx Variant Classification Process June 2021. Collection method: clinical testing. Allele origin: germline. Affected: yes.
Comment: Not observed at significant frequency in large population cohorts (gnomAD); In silico analysis indicates that this missense variant does not alter protein structure/function; Has not been previously published as pathogenic or benign to our knowledge; This variant is associated with the following publications: (PMID: 25641508)